The following is an entry in ClinVar:

ClinVar aggregate classification (germline): Benign. Review status: criteria provided, multiple submitters, no conflicts (2 of 4 stars). 3 submissions from 3 submitters: Benign (2). 1 of the submissions does not count toward it. Last evaluated 2019-12-31.

Conditions:
ASTN2-related disorder. Also called: ASTN2-related condition.

Allele frequency attached by ClinVar (database versions not stated): ExAC 0.00362; gnomAD 0.00911 and 0.00965; TOPMed 0.00969; ESP Exome Variant Server 0.01018; 1000 Genomes Project 0.01258; 1000 Genomes Project 30x 0.01265.
gnomAD v4.1: 2,568 of 1,574,000 alleles (0.16%); highest among the groups gnomAD compares: African/African-American, 3.2%; 44 homozygotes.

Submissions (3):

Labcorp Genetics (formerly Invitae), Labcorp
Classification: Benign. Last evaluated: 2019-12-31. Review status: criteria provided, single submitter. Criteria: Invitae Variant Classification Sherloc (09022015). Collection method: clinical testing. Allele origin: germline.

Breakthrough Genomics
Classification: Benign. Review status: criteria provided, single submitter. Criteria: ACMG Guidelines, 2015. Collection method: not provided. Allele origin: germline. Inheritance: Unknown mechanism. Affected: yes.

PreventionGenetics, part of Exact Sciences
Classification: Benign for ASTN2-related condition. Last evaluated: 2019-08-26. Review status: no assertion criteria provided. Collection method: clinical testing. Allele origin: germline. Not counted in ClinVar's aggregate classification.
Comment: This variant is classified as benign based on ACMG/AMP sequence variant interpretation guidelines (Richards et al. 2015 PMID: 25741868, with internal and published modifications).

NM_001365068.1(ASTN2):c.342C>A (p.Ala114=)

Gene: ASTN2 (astrotactin 2; minus strand). Cytogenetic location: 9q33.1.
Variant type: single nucleotide variant.
Coding change: c.342C>A on transcript NM_001365068.1 (MANE Select); coding-DNA position 342, C replaced by A.
Protein change: p.Ala114=; no amino-acid change (alanine 114 retained).
Molecular consequence: synonymous variant.
Genome position (GRCh38, 1-based): chr9:117,414,597, G>T on the plus strand (C>A on the coding strand, the complement: ASTN2 is on the minus strand). VCF-style: chr9-117414597-G-T. GRCh37 (hg19) VCF-style: chr9-120176875-G-T.
Other names: c.342C>A, p.Ala114= (NM_001365069.1, NM_014010.5).
Identifiers: ClinVar variation 774437 (VCV000774437.7), dbSNP rs147908988, ClinGen allele CA5212089.